The following is an entry in ClinVar:

ClinVar aggregate classification (germline): Conflicting classifications of pathogenicity. Review status: criteria provided, conflicting classifications (1 of 4 stars). 6 submissions from 6 submitters: Uncertain significance (1); Benign (1); Likely benign (3). 1 of the submissions does not count toward it. Last evaluated 2026-01-27.

Conditions:
Alport syndrome. Also called: Hemorrhagic familial nephritis; Hemorrhagic hereditary nephritis; Congenital hereditary hematuria. Identifiers: Orphanet 63, MedGen C1567741, MONDO:0018965.

Allele frequency attached by ClinVar (database versions not stated): gnomAD exomes 0.00009 and 0.00020; ExAC 0.00021; 1000 Genomes Project 0.00040; 1000 Genomes Project 30x 0.00047; ESP Exome Variant Server 0.00092; gnomAD 0.00108 and 0.00121; TOPMed 0.00128.
gnomAD v4.1: 303 of 1,613,886 alleles (0.019%); highest among the groups gnomAD compares: African/African-American, 0.37%; no homozygotes.

Submissions (6):

Labcorp Genetics (formerly Invitae), Labcorp
Classification: Benign. Last evaluated: 2026-01-27. Review status: criteria provided, single submitter. Criteria: Invitae Variant Classification Sherloc (09022015). Collection method: clinical testing. Allele origin: germline.

Blueprint Genetics
Classification: Likely benign. Last evaluated: 2024-10-18. Review status: criteria provided, single submitter. Criteria: ACMG Guidelines, 2015. Collection method: clinical testing. Allele origin: germline.

GeneDx
Classification: Likely benign. Last evaluated: 2021-04-30. Review status: criteria provided, single submitter. Criteria: GeneDx Variant Classification Process June 2021. Collection method: clinical testing. Allele origin: germline. Affected: yes.

Illumina Laboratory Services, Illumina
Classification: Uncertain significance for Alport syndrome. Last evaluated: 2018-01-13. Review status: criteria provided, single submitter. Criteria: ICSL Variant Classification Criteria 13 December 2019. Collection method: clinical testing. Allele origin: germline.

Laboratory for Molecular Medicine, Mass General Brigham Personalized Medicine
Classification: Likely benign. Last evaluated: 2017-08-23. Review status: criteria provided, single submitter. Criteria: LMM Criteria. Collection method: clinical testing. Allele origin: germline. Observed: 1 variant allele.
Comment: p.Gly1313Gly in exon 44 of COL4A3: This variant is not expected to have clinical significance because it does not alter an amino acid residue and is not located within the splice consensus sequence. It has been identified in 0.26% (25/9792) of African chromosomes by the Exome Aggregation Consortium (ExAC; dbSNP rs141552752).

Natera, Inc.
Classification: Likely benign for Alport syndrome. Last evaluated: 2019-10-28. Review status: no assertion criteria provided. Collection method: clinical testing. Allele origin: germline. Not counted in ClinVar's aggregate classification.

NM_000091.5(COL4A3):c.3939G>A (p.Gly1313=)

Genes: COL4A3 (collagen type IV alpha 3 chain; plus strand), MFF-DT (MFF divergent transcript; minus strand). Cytogenetic location: 2q36.3.
Variant type: single nucleotide variant.
Coding change: c.3939G>A on transcript NM_000091.5 (MANE Select); coding-DNA position 3939, G replaced by A.
Protein change: p.Gly1313=; no amino-acid change (glycine 1313 retained).
Molecular consequence: synonymous variant.
Genome position (GRCh38, 1-based): chr2:227,303,094, G>A. VCF-style: chr2-227303094-G-A. GRCh37 (hg19) VCF-style: chr2-228167810-G-A.
Identifiers: ClinVar variation 334777 (VCV000334777.23), dbSNP rs141552752, ClinGen allele CA2147389.